The following is an entry in ClinVar:

NM_024580.6(EFL1):c.1267A>G (p.Lys423Glu)

Gene: EFL1 (elongation factor like GTPase 1; minus strand). Cytogenetic location: 15q25.2.
Variant type: single nucleotide variant.
Coding change: c.1267A>G on transcript NM_024580.6 (MANE Select); coding-DNA position 1267, A replaced by G.
Protein change: p.Lys423Glu; replaces lysine 423 with glutamic acid.
Molecular consequence: missense variant. On other transcripts: non-coding transcript variant (1).
Genome position (GRCh38, 1-based): chr15:82,225,190, T>C on the plus strand (A>G on the coding strand, the complement: EFL1 is on the minus strand). VCF-style: chr15-82225190-T-C. GRCh37 (hg19) VCF-style: chr15-82517531-T-C.
Other names: p.Lys423Glu; c.1114A>G, p.Lys372Glu (NM_001040610.3); c.478A>G, p.Lys160Glu (NM_001322844.2); c.1267A>G, p.Lys423Glu (NM_001322845.2); c.1267A>G (NM_024580.5); short protein forms K372E, K160E, K423E.
Identifiers: ClinVar variation 787964 (VCV000787964.16), dbSNP rs151013771, ClinGen allele CA7698036.
Genomic context (GRCh38, chr15:82,225,190, plus strand): 5'-TTCCTAGCCCAGCCCAACTTTCCCCTTTCCCTTACCTTGGCTTATTCTGAGGCAAGGCCT[T>C]AGCATCAACTGCAAACATTTTGGAAACAAATATAATAACTGGAGCAGTGTCCTCACTTCC-3'
Protein context (NP_078856.4, residues 413-433): FVSKMFAVDA[Lys423Glu]ALPQNKPRPL

ClinVar aggregate classification (germline): Benign/Likely benign. Review status: criteria provided, multiple submitters, no conflicts (2 of 4 stars). 5 submissions from 5 submitters: Benign (3); Likely benign (1). 1 of the submissions does not count toward it. Last evaluated 2026-03-31.

Conditions:
EFL1-related disorder. Also called: EFL1-related condition.

Allele frequency attached by ClinVar (database versions not stated): gnomAD exomes 0.00063 and 0.00157; ExAC 0.00205; ESP Exome Variant Server 0.00639; gnomAD 0.00663 and 0.00708; TOPMed 0.00742; 1000 Genomes Project 0.00839; 1000 Genomes Project 30x 0.00953.
gnomAD v4.1: 1,976 of 1,612,050 alleles (0.12%); highest among the groups gnomAD compares: African/African-American, 2.2%; 21 homozygotes.

Submissions (5):

Women's Health and Genetics/Laboratory Corporation of America, LabCorp
Classification: Likely benign. Last evaluated: 2026-03-31. Review status: criteria provided, single submitter. Criteria: LabCorp Variant Classification Summary - May 2015. Collection method: clinical testing. Allele origin: germline.

Labcorp Genetics (formerly Invitae), Labcorp
Classification: Benign. Last evaluated: 2026-02-02. Review status: criteria provided, single submitter. Criteria: Invitae Variant Classification Sherloc (09022015). Collection method: clinical testing. Allele origin: germline.

Mayo Clinic Laboratories, Mayo Clinic
Classification: Benign. Last evaluated: 2023-09-06. Review status: criteria provided, single submitter. Criteria: ACMG Guidelines, 2015. Collection method: clinical testing. Allele origin: germline. Observed: 6 variant alleles.
Comment: BS1, BS2, BP4

Breakthrough Genomics
Classification: Benign. Review status: criteria provided, single submitter. Criteria: ACMG Guidelines, 2015. Collection method: not provided. Allele origin: germline. Inheritance: Autosomal recessive inheritance. Affected: yes.

PreventionGenetics, part of Exact Sciences
Classification: Benign for EFL1-related condition. Last evaluated: 2020-09-21. Review status: no assertion criteria provided. Collection method: clinical testing. Allele origin: germline. Not counted in ClinVar's aggregate classification.
Comment: This variant is classified as benign based on ACMG/AMP sequence variant interpretation guidelines (Richards et al. 2015 PMID: 25741868, with internal and published modifications).